The following is an entry in ClinVar:

ClinVar aggregate classification (germline): Uncertain significance (1 of 4 stars; one submission).

Conditions:
Familial adenomatous polyposis 1 (FAP1). Also called: FAMILIAL ADENOMATOUS POLYPOSIS 1, ATTENUATED; POLYPOSIS, ADENOMATOUS INTESTINAL. Identifiers: MedGen C2713442, MONDO:0021056, OMIM 175100. Disease mechanism: loss of function.

Submission:

Labcorp Genetics (formerly Invitae), Labcorp
Classification: Uncertain significance for Familial adenomatous polyposis 1. Last evaluated: 2024-07-19. Review status: criteria provided, single submitter. Criteria: Invitae Variant Classification Sherloc (09022015). Collection method: clinical testing. Allele origin: germline.
Comment: This variant occurs in a non-coding region of the APC gene. It does not change the encoded amino acid sequence of the APC protein. This variant is not present in population databases (gnomAD no frequency). This variant has not been reported in the literature in individuals affected with APC-related conditions. Experimental studies and prediction algorithms are not available or were not evaluated, and the functional significance of this variant is currently unknown. In summary, the available evidence is currently insufficient to determine the role of this variant in disease. Therefore, it has been classified as a Variant of Uncertain Significance.

NM_001127511.3(APC):c.92G>A (p.Arg31Lys)

Gene: APC (APC regulator of Wnt signaling pathway; plus strand). Cytogenetic location: 5q22.2.
Variant type: single nucleotide variant.
Coding change: c.92G>A on transcript NM_001127511.3; coding-DNA position 92, G replaced by A.
Protein change: p.Arg31Lys; replaces arginine 31 with lysine.
Molecular consequence: missense variant. On other transcripts: 5 prime UTR variant (8), non-coding transcript variant (1), intron variant (5).
Genome position (GRCh38, 1-based): chr5:112,707,809, G>A. VCF-style: chr5-112707809-G-A. GRCh37 (hg19) VCF-style: chr5-112043506-G-A.
Other names: c.-92G>A (NM_001354895.2, NM_001407447.1, NM_001407452.1 and 3 more transcripts); c.92G>A, p.Arg31Lys (NM_001354897.2, NM_001354902.2, NM_001407446.1); c.-1127G>A (NM_001407470.1, NM_001407472.1); c.-19+160G>A (NM_001407448.1, NM_001407450.1, NM_001407457.1 and 1 more transcripts); c.-43+160G>A (NM_001407453.1); short protein forms R31K.
Identifiers: ClinVar variation 1000928 (VCV001000928.9), dbSNP rs1750610701, ClinGen allele CA360611942.
Genomic context (GRCh38, chr5:112,707,809, plus strand): 5'-CCCCTTTGCCCGCTTCTGTACCACCCTCAGTTCTCGGGTCCTGGAGCACCGGCGGCAGCA[G>A]GAGCTGCGTCCGGCAGGAGACGAAGAGCCCGGGCGGCGCTCGTACTTCTGGCCACTGGGC-3'